The following is an entry in ClinVar:

NM_000179.3(MSH6):c.1116G>T (p.Trp372Cys)

Gene: MSH6 (mutS homolog 6; plus strand). Cytogenetic location: 2p16.3.
Variant type: single nucleotide variant.
Coding change: c.1116G>T on transcript NM_000179.3 (MANE Select); coding-DNA position 1116, G replaced by T.
Protein change: p.Trp372Cys; replaces tryptophan 372 with cysteine.
Molecular consequence: missense variant. On other transcripts: non-coding transcript variant (4), intron variant (1).
Genome position (GRCh38, 1-based): chr2:47,799,099, G>T. VCF-style: chr2-47799099-G-T. GRCh37 (hg19) VCF-style: chr2-48026238-G-T.
Other names: c.726G>T, p.Trp242Cys (NM_001281492.2); c.210G>T, p.Trp70Cys (NM_001281493.2, NM_001281494.2, NM_001406811.1 and 6 more transcripts); c.1212G>T, p.Trp404Cys (NM_001406795.1, NM_001406802.1); c.1116G>T, p.Trp372Cys (NM_001406796.1, NM_001406798.1, NM_001406809.1 and 4 more transcripts); c.819G>T, p.Trp273Cys (NM_001406797.1, NM_001406818.1, NM_001406830.1 and 10 more transcripts); c.1122G>T, p.Trp374Cys (NM_001406813.1); c.628-1567G>T (NM_001407362.1); c.591G>T, p.Trp197Cys (NM_001406799.1, NM_001406806.1, NM_001406807.1); and 2 more; short protein forms W197C, W242C, W273C, W316C, W346C, W372C, W374C, W404C.
Identifiers: ClinVar variation 4860384 (VCV004860384.1).

ClinVar aggregate classification (germline): Uncertain significance (1 of 4 stars; one submission).

Conditions:
Hereditary cancer-predisposing syndrome. Also called: Neoplastic Syndromes, Hereditary; Tumor predisposition; Hereditary Cancer Syndrome; Hereditary neoplastic syndrome. Identifiers: Orphanet 140162, MedGen C0027672, MeSH D009386, MONDO:0015356.

gnomAD v4.1: 1 of 1,614,108 alleles (0.000062%); highest among the groups gnomAD compares: Non-Finnish European, 0.000085%; no homozygotes.

Submission:

Ambry Genetics
Classification: Uncertain significance for Hereditary cancer-predisposing syndrome. Last evaluated: 2026-03-26. Review status: criteria provided, single submitter. Criteria: Ambry Variant Classification Scheme 2023. Collection method: clinical testing. Allele origin: germline.
Comment: The p.W372C variant (also known as c.1116G>T), located in coding exon 4 of the MSH6 gene, results from a G to T substitution at nucleotide position 1116. The tryptophan at codon 372 is replaced by cysteine, an amino acid with highly dissimilar properties. This amino acid position is conserved. In addition, this alteration is predicted to be deleterious by in silico analysis. Based on the available evidence, the clinical significance of this variant remains unclear.